The following is an entry in ClinVar:

ClinVar aggregate classification (germline): Uncertain significance. Review status: criteria provided, single submitter (1 of 4 stars). 2 submissions from 2 submitters: Uncertain significance (1). 1 of the submissions does not count toward it. Last evaluated 2022-06-27.

Conditions:
Usher syndrome type 2A. Also called: RETINAL DISEASE IN USHER SYNDROME TYPE IIA, MODIFIER OF; USHER SYNDROME, TYPE IIA. Identifiers: Orphanet 231178, Orphanet 886, MedGen C1848634, MONDO:0010169, OMIM 276901.

Allele frequency attached by ClinVar (database versions not stated): gnomAD exomes below 0.00001; TOPMed below 0.00001.
gnomAD v4.1: 2 of 1,613,592 alleles (0.00012%); highest among the groups gnomAD compares: Non-Finnish European, 0.00017%; no homozygotes.

Submissions (2):

Labcorp Genetics (formerly Invitae), Labcorp
Classification: Uncertain significance. Last evaluated: 2022-06-27. Review status: criteria provided, single submitter. Criteria: Invitae Variant Classification Sherloc (09022015). Collection method: clinical testing. Allele origin: germline.
Comment: This sequence change replaces glycine, which is neutral and non-polar, with alanine, which is neutral and non-polar, at codon 3048 of the USH2A protein (p.Gly3048Ala). This variant is not present in population databases (gnomAD no frequency). This variant has not been reported in the literature in individuals affected with USH2A-related conditions. ClinVar contains an entry for this variant (Variation ID: 852856). Algorithms developed to predict the effect of missense changes on protein structure and function output the following: SIFT: "Tolerated"; PolyPhen-2: "Possibly Damaging"; Align-GVGD: "Class C0". The alanine amino acid residue is found in multiple mammalian species, which suggests that this missense change does not adversely affect protein function. In summary, the available evidence is currently insufficient to determine the role of this variant in disease. Therefore, it has been classified as a Variant of Uncertain Significance.

Natera, Inc.
Classification: Uncertain significance for Usher syndrome type 2A. Last evaluated: 2020-08-28. Review status: no assertion criteria provided. Collection method: clinical testing. Allele origin: germline. Not counted in ClinVar's aggregate classification.

NM_206933.4(USH2A):c.9143G>C (p.Gly3048Ala)

Gene: USH2A (usherin; minus strand). Cytogenetic location: 1q41.
Variant type: single nucleotide variant.
Coding change: c.9143G>C on transcript NM_206933.4 (MANE Select); coding-DNA position 9143, G replaced by C.
Protein change: p.Gly3048Ala; replaces glycine 3048 with alanine.
Molecular consequence: missense variant.
Genome position (GRCh38, 1-based): chr1:215,844,409, C>G on the plus strand (G>C on the coding strand, the complement: USH2A is on the minus strand). VCF-style: chr1-215844409-C-G. GRCh37 (hg19) VCF-style: chr1-216017751-C-G.
Other names: short protein forms G3048A.
Identifiers: ClinVar variation 852856 (VCV000852856.7), dbSNP rs754391322, ClinGen allele CA344838895.
Genomic context (GRCh38, chr1:215,844,409, plus strand): 5'-ACATTCATTCCAGTCTTGTAGAGCTTATTATTTACATAGATAGAATACTCAGTGACAACA[C>G]CATTTGGGTTTGAAGGAGATGTCCAGATGACACGTACAGCTGTACTGTTGATGATGACAA-3'
Protein context (NP_996816.3, residues 3038-3058): VIWTSPSNPN[Gly3048Ala]VVTEYSIYVN